The following is an entry in ClinVar:

NM_001367624.2(ZNF469):c.7422T>G (p.Cys2474Trp)

Gene: ZNF469 (zinc finger protein 469; plus strand). Cytogenetic location: 16q24.2.
Variant type: single nucleotide variant.
Coding change: c.7422T>G on transcript NM_001367624.2 (MANE Select); coding-DNA position 7422, T replaced by G.
Protein change: p.Cys2474Trp; replaces cysteine 2474 with tryptophan.
Molecular consequence: missense variant.
Genome position (GRCh38, 1-based): chr16:88,434,892, T>G. VCF-style: chr16-88434892-T-G. GRCh37 (hg19) VCF-style: chr16-88501300-T-G.
Other names: NM_001127464.1:c.7338T>G; short protein forms C2474W.
Identifiers: ClinVar variation 3232853 (VCV003232853.1), dbSNP rs1187158741, ClinGen allele CA397110125.

ClinVar aggregate classification (germline): Uncertain significance (1 of 4 stars; one submission).

Conditions:
Cardiovascular phenotype. Identifiers: MedGen CN230736.

Submission:

Ambry Genetics
Classification: Uncertain significance for Cardiovascular phenotype. Last evaluated: 2023-11-14. Review status: criteria provided, single submitter. Criteria: Ambry Variant Classification Scheme 2023. Collection method: clinical testing. Allele origin: germline.
Comment: The p.C2446W variant (also known as c.7338T>G), located in coding exon 2 of the ZNF469 gene, results from a T to G substitution at nucleotide position 7338. The cysteine at codon 2446 is replaced by tryptophan, an amino acid with highly dissimilar properties. This amino acid position is conserved. In addition, this alteration is predicted to be tolerated by in silico analysis. Since supporting evidence is limited at this time, the clinical significance of this alteration remains unclear.